The following is an entry in ClinVar:

ClinVar aggregate classification (germline): Uncertain significance (1 of 4 stars; one submission).

Submission:

GeneDx
Classification: Uncertain significance. Last evaluated: 2025-05-07. Review status: criteria provided, single submitter. Criteria: GeneDx Variant Classification Process June 2021. Collection method: clinical testing. Allele origin: germline. Affected: yes.
Comment: Not observed at significant frequency in large population cohorts (gnomAD); In silico analysis supports that this missense variant has a deleterious effect on protein structure/function; Has not been previously published as pathogenic or benign to our knowledge

NM_000937.5(POLR2A):c.1622C>G (p.Thr541Arg)

Gene: POLR2A (RNA polymerase II subunit A; plus strand). Cytogenetic location: 17p13.1.
Variant type: single nucleotide variant.
Coding change: c.1622C>G on transcript NM_000937.5 (MANE Select); coding-DNA position 1622, C replaced by G.
Protein change: p.Thr541Arg; replaces threonine 541 with arginine.
Molecular consequence: missense variant.
Genome position (GRCh38, 1-based): chr17:7,499,442, C>G. VCF-style: chr17-7499442-C-G. GRCh37 (hg19) VCF-style: chr17-7402761-C-G.
Other names: short protein forms T541R.
Identifiers: ClinVar variation 4528090 (VCV004528090.1).